The following is an entry in ClinVar:

NM_002691.4(POLD1):c.2820+5G>A

Gene: POLD1 (DNA polymerase delta 1, catalytic subunit; plus strand). Cytogenetic location: 19q13.33.
Variant type: single nucleotide variant.
Coding change: c.2820+5G>A on transcript NM_002691.4 (MANE Select); 5 bases into the intron after coding-DNA position 2820, G replaced by A.
Molecular consequence: intron variant.
Genome position (GRCh38, 1-based): chr19:50,415,831, G>A. VCF-style: chr19-50415831-G-A. GRCh37 (hg19) VCF-style: chr19-50919088-G-A.
Other names: c.2820+5G>A (LRG_785t1, NM_001256849.1); c.2898+5G>A (LRG_785t2, NM_001308632.1).
Identifiers: ClinVar variation 469302 (VCV000469302.6), dbSNP rs1555793187, ClinGen allele CA658658846.

ClinVar aggregate classification (germline): Uncertain significance (1 of 4 stars; one submission).

Conditions:
POLD1-related polyposis and colorectal cancer syndrome (CRCS10). Also called: Colorectal cancer 10; COLORECTAL CANCER, SUSCEPTIBILITY TO, ON CHROMOSOME 19q; Colorectal cancer, susceptibility to, 10. Identifiers: Orphanet 220460, MedGen C2675481, MONDO:0012953, OMIM 612591.

Submission:

Labcorp Genetics (formerly Invitae), Labcorp
Classification: Uncertain significance for POLD1-related polyposis and colorectal cancer syndrome. Last evaluated: 2024-09-09. Review status: criteria provided, single submitter. Criteria: Invitae Variant Classification Sherloc (09022015). Collection method: clinical testing. Allele origin: germline.
Comment: This sequence change falls in intron 22 of the POLD1 gene. It does not directly change the encoded amino acid sequence of the POLD1 protein. It affects a nucleotide within the consensus splice site. This variant is not present in population databases (gnomAD no frequency). This variant has not been reported in the literature in individuals affected with POLD1-related conditions. ClinVar contains an entry for this variant (Variation ID: 469302). Variants that disrupt the consensus splice site are a relatively common cause of aberrant splicing (PMID: 17576681, 9536098). Algorithms developed to predict the effect of sequence changes on RNA splicing suggest that this variant may disrupt the consensus splice site. In summary, the available evidence is currently insufficient to determine the role of this variant in disease. Therefore, it has been classified as a Variant of Uncertain Significance.

Literature cited by the submitters: PubMed 17576681; PubMed 9536098.